The following is an entry in ClinVar:

ClinVar aggregate classification (germline): Uncertain significance (1 of 4 stars; one submission).

Conditions:
Niemann-Pick disease, type C1. Also called: NEUROVISCERAL STORAGE DISEASE WITH VERTICAL SUPRANUCLEAR OPHTHALMOPLEGIA; NIEMANN-PICK DISEASE WITH CHOLESTEROL ESTERIFICATION BLOCK; NIEMANN-PICK DISEASE WITHOUT SPHINGOMYELINASE DEFICIENCY; NIEMANN-PICK DISEASE, CHRONIC NEURONOPATHIC FORM; NIEMANN-PICK DISEASE, VARIANT TYPE C1. Identifiers: Orphanet 646, MedGen C3179455, MONDO:0009757, OMIM 257220.

Submission:

Labcorp Genetics (formerly Invitae), Labcorp
Classification: Uncertain significance for Niemann-Pick disease, type C1. Last evaluated: 2022-03-18. Review status: criteria provided, single submitter. Criteria: Invitae Variant Classification Sherloc (09022015). Collection method: clinical testing. Allele origin: germline.
Comment: This variant has not been reported in the literature in individuals affected with NPC1-related conditions. Advanced modeling of protein sequence and biophysical properties (such as structural, functional, and spatial information, amino acid conservation, physicochemical variation, residue mobility, and thermodynamic stability) performed at Invitae indicates that this missense variant is expected to disrupt NPC1 protein function. In summary, the available evidence is currently insufficient to determine the role of this variant in disease. Therefore, it has been classified as a Variant of Uncertain Significance. This variant is not present in population databases (gnomAD no frequency). This sequence change replaces arginine, which is basic and polar, with methionine, which is neutral and non-polar, at codon 1227 of the NPC1 protein (p.Arg1227Met).

NM_000271.5(NPC1):c.3680G>T (p.Arg1227Met)

Gene: NPC1 (NPC intracellular cholesterol transporter 1; minus strand). Cytogenetic location: 18q11.2.
Variant type: single nucleotide variant.
Coding change: c.3680G>T on transcript NM_000271.5 (MANE Select); coding-DNA position 3680, G replaced by T.
Protein change: p.Arg1227Met; replaces arginine 1227 with methionine.
Molecular consequence: missense variant.
Genome position (GRCh38, 1-based): chr18:23,533,429, C>A on the plus strand (G>T on the coding strand, the complement: NPC1 is on the minus strand). VCF-style: chr18-23533429-C-A. GRCh37 (hg19) VCF-style: chr18-21113393-C-A.
Other names: short protein forms R1227M.
Identifiers: ClinVar variation 1391560 (VCV001391560.6), dbSNP rs867139443, ClinGen allele CA297076004.